The following is an entry in ClinVar:

ClinVar aggregate classification (germline): Uncertain significance (1 of 4 stars; one submission).

Submission:

Labcorp Genetics (formerly Invitae), Labcorp
Classification: Uncertain significance. Last evaluated: 2025-08-31. Review status: criteria provided, single submitter. Criteria: Invitae Variant Classification Sherloc (09022015). Collection method: clinical testing. Allele origin: germline.
Comment: This sequence change replaces glutamine, which is neutral and polar, with glutamic acid, which is acidic and polar, at codon 178 of the MNX1 protein (p.Gln178Glu). This variant is not present in population databases (gnomAD no frequency). This variant has not been reported in the literature in individuals affected with MNX1-related conditions. Invitae Evidence Modeling of protein sequence and biophysical properties (such as structural, functional, and spatial information, amino acid conservation, physicochemical variation, residue mobility, and thermodynamic stability) indicates that this missense variant is expected to disrupt MNX1 protein function with a positive predictive value of 80%. In summary, the available evidence is currently insufficient to determine the role of this variant in disease. Therefore, it has been classified as a Variant of Uncertain Significance.

NM_005515.4(MNX1):c.532C>G (p.Gln178Glu)

Gene: MNX1 (motor neuron and pancreas homeobox 1; minus strand). Cytogenetic location: 7q36.3.
Variant type: single nucleotide variant.
Coding change: c.532C>G on transcript NM_005515.4 (MANE Select); coding-DNA position 532, C replaced by G.
Protein change: p.Gln178Glu; replaces glutamine 178 with glutamic acid.
Molecular consequence: missense variant.
Genome position (GRCh38, 1-based): chr7:157,009,819, G>C on the plus strand (C>G on the coding strand, the complement: MNX1 is on the minus strand). VCF-style: chr7-157009819-G-C. GRCh37 (hg19) VCF-style: chr7-156802513-G-C.
Other names: short protein forms Q178E.
Identifiers: ClinVar variation 4742020 (VCV004742020.1).